The following is an entry in ClinVar:

NM_001005242.3(PKP2):c.1622C>T (p.Ser541Leu)

Gene: PKP2 (plakophilin 2; minus strand). Cytogenetic location: 12p11.21.
Variant type: single nucleotide variant.
Coding change: c.1622C>T on transcript NM_001005242.3 (MANE Select); coding-DNA position 1622, C replaced by T.
Protein change: p.Ser541Leu; replaces serine 541 with leucine.
Molecular consequence: missense variant.
Genome position (GRCh38, 1-based): chr12:32,824,097, G>A on the plus strand (C>T on the coding strand, the complement: PKP2 is on the minus strand). VCF-style: chr12-32824097-G-A. GRCh37 (hg19) VCF-style: chr12-32977031-G-A.
Other names: c.1622C>T, p.Ser541Leu (NM_001407155.1, NM_001407156.1, NM_001407161.1); c.1754C>T, p.Ser585Leu (NM_001407157.1, NM_004572.4); c.1295C>T, p.Ser432Leu (NM_001407158.1, NM_001407159.1, NM_001407160.1 and 1 more transcripts); short protein forms S432L, S541L, S585L.
Identifiers: ClinVar variation 3387472 (VCV003387472.1).

ClinVar aggregate classification (germline): Uncertain significance (1 of 4 stars; one submission).

Conditions:
Arrhythmogenic right ventricular cardiomyopathy (ARVD). Also called: Arrhythmogenic right ventricular dysplasia; Cardiomyopathy, ARVC; Arrhythmogenic cardiomyopathy; Arrhythmogenic Right Ventricular Cardiomyopathy (ARVC). Identifiers: Orphanet 247, MedGen C0349788, MeSH D019571, MONDO:0016587. Disease mechanism: loss of function. Inheritance: Various modes of inheritance.

gnomAD v4.1: 3 of 1,612,356 alleles (0.00019%); highest among the groups gnomAD compares: Admixed American, 0.0033%; no homozygotes.

Submission:

All of Us Research Program, National Institutes of Health
Classification: Uncertain significance for Arrhythmogenic right ventricular cardiomyopathy. Last evaluated: 2024-07-29. Review status: criteria provided, single submitter. Criteria: ACMG Guidelines, 2015. Collection method: clinical testing. Allele origin: germline. Inheritance: Autosomal dominant inheritance. Observed: 1 variant allele, 1 heterozygote.
Comment: This missense variant replaces serine with leucine at codon 585 of the PKP2 protein. Computational prediction suggests that this variant may have deleterious impact on protein structure and function (internally defined REVEL score threshold >= 0.7, PMID: 27666373). To our knowledge, functional studies have not been reported for this variant. This variant has not been reported in individuals affected with PKP2-related disorders in the literature. This variant has been identified in 2/251182 chromosomes in the general population by the Genome Aggregation Database (gnomAD). The available evidence is insufficient to determine the role of this variant in disease conclusively. Therefore, this variant is classified as a Variant of Uncertain Significance.

This study involves interpretation of variants in research participants for the purpose of population health screening. Participant phenotype was not available at the time of variant classification. Additional details can be found in publication PMID: 35346344, PMCID: PMC8962531